The following is an entry in ClinVar:

ClinVar aggregate classification (germline): Likely benign. Review status: criteria provided, multiple submitters, no conflicts (2 of 4 stars). 2 submissions from 2 submitters: Likely benign (2). Last evaluated 2024-08-19.

Conditions:
Primary dilated cardiomyopathy (DCM). Also called: Dilated Cardiomyopathy. Identifiers: Orphanet 217604, MedGen C0007193, MeSH D002311, MONDO:0005021, HP:0001644. Inheritance: Various modes of inheritance.

Allele frequency attached by ClinVar (database versions not stated): TOPMed 0.00002; gnomAD 0.00003; ESP Exome Variant Server 0.00008; ExAC 0.00001.
gnomAD v4.1: 12 of 1,610,914 alleles (0.00074%); highest among the groups gnomAD compares: African/African-American, 0.0067%; no homozygotes.

Submissions (2):

Labcorp Genetics (formerly Invitae), Labcorp
Classification: Likely benign for Primary dilated cardiomyopathy. Last evaluated: 2024-08-19. Review status: criteria provided, single submitter. Criteria: Invitae Variant Classification Sherloc (09022015). Collection method: clinical testing. Allele origin: germline.

GeneDx
Classification: Likely benign. Last evaluated: 2017-07-14. Review status: criteria provided, single submitter. Criteria: GeneDx Variant Classification (06012015). Collection method: clinical testing. Allele origin: germline. Affected: yes.
Comment: This variant is considered likely benign or benign based on one or more of the following criteria: it is a conservative change, it occurs at a poorly conserved position in the protein, it is predicted to be benign by multiple in silico algorithms, and/or has population frequency not consistent with disease.

NM_006440.5(TXNRD2):c.1464G>A (p.Ala488=)

Gene: TXNRD2 (thioredoxin reductase 2; minus strand). Cytogenetic location: 22q11.21.
Variant type: single nucleotide variant.
Coding change: c.1464G>A on transcript NM_006440.5 (MANE Select); coding-DNA position 1464, G replaced by A.
Protein change: p.Ala488=; no amino-acid change (alanine 488 retained).
Molecular consequence: synonymous variant.
Genome position (GRCh38, 1-based): chr22:19,877,216, C>T on the plus strand (G>A on the coding strand, the complement: TXNRD2 is on the minus strand). VCF-style: chr22-19877216-C-T. GRCh37 (hg19) VCF-style: chr22-19864739-C-T.
Other names: c.1461G>A, p.Ala487= (NM_001352300.2); c.1374G>A, p.Ala458= (NM_001352301.2); c.1176G>A, p.Ala392= (NM_001352302.2).
Identifiers: ClinVar variation 510849 (VCV000510849.8), dbSNP rs372816982, ClinGen allele CA10103619.